The following is an entry in ClinVar:

ClinVar aggregate classification (germline): Uncertain significance. Review status: criteria provided, multiple submitters, no conflicts (2 of 4 stars). 2 submissions from 2 submitters: Uncertain significance (2). Last evaluated 2024-08-23.

Conditions:
Cardiomyopathy (CMYO). Also called: Cardiomyopathies. Identifiers: Orphanet 167848, MedGen C0878544, MONDO:0004994, HP:0001638. Inheritance: Various modes of inheritance.
Arrhythmogenic right ventricular cardiomyopathy (ARVD). Also called: Arrhythmogenic right ventricular dysplasia; Cardiomyopathy, ARVC; Arrhythmogenic cardiomyopathy; Arrhythmogenic Right Ventricular Cardiomyopathy (ARVC). Identifiers: Orphanet 247, MedGen C0349788, MeSH D019571, MONDO:0016587. Disease mechanism: loss of function. Inheritance: Various modes of inheritance.

Allele frequency attached by ClinVar (database versions not stated): TOPMed below 0.00001.
gnomAD v4.1: 2 of 1,614,188 alleles (0.00012%); highest among the groups gnomAD compares: Non-Finnish European, 0.00017%; no homozygotes.

Submissions (2):

All of Us Research Program, National Institutes of Health
Classification: Uncertain significance for Arrhythmogenic right ventricular cardiomyopathy. Last evaluated: 2024-08-23. Review status: criteria provided, single submitter. Criteria: ACMG Guidelines, 2015. Collection method: clinical testing. Allele origin: germline. Inheritance: Autosomal dominant inheritance. Observed: 1 variant allele, 1 heterozygote.
Comment: This missense variant replaces serine with arginine at codon 1026 of the DSG2 protein. Computational prediction suggests that this variant may not impact protein structure and function (internally defined REVEL score threshold <= 0.5, PMID: 27666373). To our knowledge, functional studies have not been reported for this variant. This variant has not been reported in individuals affected with cardiovascular disorders in the literature. This variant has not been identified in the general population by the Genome Aggregation Database (gnomAD). The available evidence is insufficient to determine the role of this variant in disease conclusively. Therefore, this variant is classified as a Variant of Uncertain Significance.

This study involves interpretation of variants in research participants for the purpose of population health screening. Participant phenotype was not available at the time of variant classification. Additional details can be found in publication PMID: 35346344, PMCID: PMC8962531

Color Diagnostics, LLC DBA Color Health
Classification: Uncertain significance for Cardiomyopathy. Last evaluated: 2024-03-07. Review status: criteria provided, single submitter. Criteria: ACMG Guidelines, 2015. Collection method: clinical testing. Allele origin: germline.
Comment: This missense variant replaces serine with arginine at codon 1026 of the DSG2 protein. Computational prediction suggests that this variant may not impact protein structure and function (internally defined REVEL score threshold <= 0.5, PMID: 27666373). To our knowledge, functional studies have not been reported for this variant. This variant has not been reported in individuals affected with cardiovascular disorders in the literature. This variant has not been identified in the general population by the Genome Aggregation Database (gnomAD). The available evidence is insufficient to determine the role of this variant in disease conclusively. Therefore, this variant is classified as a Variant of Uncertain Significance.

NM_001943.5(DSG2):c.3078C>G (p.Ser1026Arg)

Genes: DSG2 (desmoglein 2; plus strand), DSG2-AS1 (DSG2 antisense RNA 1; minus strand). Cytogenetic location: 18q12.1.
Variant type: single nucleotide variant.
Coding change: c.3078C>G on transcript NM_001943.5 (MANE Select); coding-DNA position 3078, C replaced by G.
Protein change: p.Ser1026Arg; replaces serine 1026 with arginine.
Molecular consequence: missense variant.
Genome position (GRCh38, 1-based): chr18:31,546,464, C>G. VCF-style: chr18-31546464-C-G. GRCh37 (hg19) VCF-style: chr18-29126427-C-G.
Other names: short protein forms S1026R.
Identifiers: ClinVar variation 2775247 (VCV002775247.3), dbSNP rs2073311487, ClinGen allele CA402148295.